The following is an entry in ClinVar:

NM_031471.6(FERMT3):c.684-5C>G

Gene: FERMT3 (FERM domain containing kindlin 3; plus strand). Cytogenetic location: 11q13.1.
Variant type: single nucleotide variant.
Coding change: c.684-5C>G on transcript NM_031471.6 (MANE Select); 5 bases into the intron before coding-DNA position 684, C replaced by G.
Molecular consequence: intron variant.
Genome position (GRCh38, 1-based): chr11:64,211,640, C>G. VCF-style: chr11-64211640-C-G. GRCh37 (hg19) VCF-style: chr11-63979112-C-G.
Other names: p.?; c.684-5C>G (NM_001382448.1, NM_178443.3, NM_001382362.1 and 1 more transcripts); c.144-5C>G (NM_001382364.1, NM_001382363.1).
Identifiers: ClinVar variation 707862 (VCV000707862.17), dbSNP rs112945490, ClinGen allele CA6068865.

ClinVar aggregate classification (germline): Benign/Likely benign. Review status: criteria provided, multiple submitters, no conflicts (2 of 4 stars). 5 submissions from 5 submitters: Benign (2); Likely benign (2). 1 of the submissions does not count toward it. Last evaluated 2026-02-01.

Conditions:
FERMT3-related disorder. Also called: FERMT3-related condition.
Leukocyte adhesion deficiency 3. Also called: INTEGRIN ACTIVATION DEFICIENCY DISEASE; LEUKOCYTE ADHESION DEFICIENCY 1 VARIANT; Leukocyte adhesion deficiency, type III. Identifiers: Orphanet 2968, Orphanet 99844, MedGen C2748536, MONDO:0013016, OMIM 612840.

Allele frequency attached by ClinVar (database versions not stated): gnomAD exomes 0.00033 and 0.00093; ExAC 0.00120; ESP Exome Variant Server 0.00346; gnomAD 0.00374 and 0.00390; TOPMed 0.00385; 1000 Genomes Project 30x 0.00422; 1000 Genomes Project 0.00439.
gnomAD v4.1: 1,078 of 1,613,680 alleles (0.067%); highest among the groups gnomAD compares: African/African-American, 1.3%; 15 homozygotes.

Submissions (8):

Labcorp Genetics (formerly Invitae), Labcorp
Classification: Benign for Leukocyte adhesion deficiency 3. Last evaluated: 2026-02-01. Review status: criteria provided, single submitter. Criteria: Invitae Variant Classification Sherloc (09022015). Collection method: clinical testing. Allele origin: germline.

Women's Health and Genetics/Laboratory Corporation of America, LabCorp
Classification: Likely benign. Last evaluated: 2026-01-22. Review status: criteria provided, single submitter. Criteria: LabCorp Variant Classification Summary - May 2015. Collection method: clinical testing. Allele origin: germline.

Mayo Clinic Laboratories, Mayo Clinic
Classification: Benign. Last evaluated: 2025-10-02. Review status: criteria provided, single submitter. Criteria: ACMG Guidelines, 2015. Collection method: clinical testing. Allele origin: germline. Observed: 1 variant allele.
Comment: BS1, BS2, BP4, BP7

Blueprint Genetics
Classification: Likely benign. Last evaluated: 2024-11-13. Review status: criteria provided, single submitter. Criteria: ACMG Guidelines, 2015. Collection method: clinical testing. Allele origin: germline.

PreventionGenetics, part of Exact Sciences
Classification: Benign for FERMT3-related condition. Last evaluated: 2020-01-06. Review status: no assertion criteria provided. Collection method: clinical testing. Allele origin: germline. Not counted in ClinVar's aggregate classification.
Comment: This variant is classified as benign based on ACMG/AMP sequence variant interpretation guidelines (Richards et al. 2015 PMID: 25741868, with internal and published modifications).

Dr. Peter K. Rogan Lab, Western University
No classification provided (evidence only). Condition: Uterine corpus endometrial carcinoma. Review status: no classification provided. Collection method: in vitro. Allele origin: not applicable. Functional consequence: retained intron. Not counted in ClinVar's aggregate classification.

Dr. Peter K. Rogan Lab, Western University
No classification provided (evidence only). Condition: Thymoma. Review status: no classification provided. Collection method: in vitro. Allele origin: not applicable. Functional consequence: retained intron. Not counted in ClinVar's aggregate classification.

Dr. Peter K. Rogan Lab, Western University
No classification provided (evidence only). Condition: Gastric cancer. Review status: no classification provided. Collection method: in vitro. Allele origin: not applicable. Functional consequence: retained intron. Not counted in ClinVar's aggregate classification.